The following is an entry in ClinVar:

NM_000094.4(COL7A1):c.6900+4A>G

Gene: COL7A1 (collagen type VII alpha 1 chain; minus strand). Cytogenetic location: 3p21.31.
Variant type: single nucleotide variant.
Coding change: c.6900+4A>G on transcript NM_000094.4 (MANE Select); 4 bases into the intron after coding-DNA position 6900, A replaced by G.
Molecular consequence: intron variant.
Genome position (GRCh38, 1-based): chr3:48,572,667, T>C on the plus strand (A>G on the coding strand, the complement: COL7A1 is on the minus strand). VCF-style: chr3-48572667-T-C. GRCh37 (hg19) VCF-style: chr3-48610100-T-C.
Identifiers: ClinVar variation 374314 (VCV000374314.7), dbSNP rs1057518706, ClinGen allele CA16043658.
Genomic context (GRCh38, chr3:48,572,667, plus strand): 5'-AAACAGGCTTGTGGGTGAGGCAGAGGAGTTGCTGCAGGGGGTGGAAGTCAGGGTCAAAGA[T>C]CACCTGTCCAGGGGCCCCCGTGGGGCCAGGTTCTCCTTTAGGTCCGACAGGGCCAGGCAG-3'

ClinVar aggregate classification (germline): Likely pathogenic. Review status: criteria provided, multiple submitters, no conflicts (2 of 4 stars). 3 submissions from 3 submitters: Likely pathogenic (2). 1 of the submissions does not count toward it. Last evaluated 2025-02-06.

Conditions:
Generalized dominant dystrophic epidermolysis bullosa (DDEB). Also called: DDEB, generalized; DDEB-gen; DYSTROPHIC EPIDERMOLYSIS BULLOSA, AUTOSOMAL DOMINANT; Epidermolysis bullosa dystrophica, autosomal dominant; Dominant DEB (DDEB). Identifiers: Orphanet 231568, MedGen C0432322, MONDO:0007549, OMIM 131750.
COL7A1-related disorder. Also called: COL7A1-related condition; COL7A1- related disorders.

Allele frequency attached by ClinVar (database versions not stated): gnomAD exomes below 0.00001.
gnomAD v4.1: 1 of 1,602,320 alleles (0.000062%); highest among the groups gnomAD compares: Non-Finnish European, 0.000085%; no homozygotes.

Submissions (3):

Labcorp Genetics (formerly Invitae), Labcorp
Classification: Likely pathogenic. Last evaluated: 2025-02-06. Review status: criteria provided, single submitter. Criteria: Invitae Variant Classification Sherloc (09022015). Collection method: clinical testing. Allele origin: germline.
Comment: This sequence change falls in intron 87 of the COL7A1 gene. It does not directly change the encoded amino acid sequence of the COL7A1 protein. RNA analysis indicates that this variant induces altered splicing and likely results in a shortened protein product. This variant is not present in population databases (gnomAD no frequency). This variant has been observed in individual(s) with autosomal dominant and autosomal recessive epidermolysis bullosa dystrophica (PMID: 10504458, 16965329, 17425959; internal data). ClinVar contains an entry for this variant (Variation ID: 374314). Variants that disrupt the consensus splice site are a relatively common cause of aberrant splicing (PMID: 17576681, 9536098). Studies have shown that this variant results in skipping of exon 87, but is expected to preserve the integrity of the reading-frame (PMID: 16965329). This variant disrupts the triple helix domain of COL7A1. Glycine residues within the Gly-Xaa-Yaa repeats of the triple helix domain are required for the structure and stability of fibrillar collagens (PMID: 7695699, 8218237, 19344236), and variants at these glycine residues in COL7A1 are more frequently observed in individuals with disease than in the general population (PMID: 22058051). However, the clinical significance of this observation remains uncertain since only a limited number of affected individuals have been described to date. In summary, the currently available evidence indicates that the variant is pathogenic, but additional data are needed to prove that conclusively. Therefore, this variant has been classified as Likely Pathogenic.

Blueprint Genetics
Classification: Likely pathogenic for COL7A1-related disorders. Last evaluated: 2023-05-05. Review status: criteria provided, single submitter. Criteria: ACMG Guidelines, 2015. Collection method: clinical testing. Allele origin: germline. Affected: yes. Observed: 1 variant allele.

Baylor Genetics
Classification: Pathogenic for Generalized dominant dystrophic epidermolysis bullosa. Last evaluated: 2016-05-01. Review status: no assertion criteria provided. Collection method: clinical testing. Allele origin: paternal. Inheritance: Autosomal dominant inheritance. Affected: yes. Not counted in ClinVar's aggregate classification.

Literature cited by the submitters: PubMed 10504458 (cited by Labcorp Genetics (formerly Invitae), Labcorp); PubMed 16965329 (cited by Labcorp Genetics (formerly Invitae), Labcorp and Baylor Genetics); PubMed 17425959 (cited by Labcorp Genetics (formerly Invitae), Labcorp); PubMed 17576681 (cited by Labcorp Genetics (formerly Invitae), Labcorp); PubMed 9536098 (cited by Labcorp Genetics (formerly Invitae), Labcorp); PubMed 7695699 (cited by Labcorp Genetics (formerly Invitae), Labcorp); PubMed 8218237 (cited by Labcorp Genetics (formerly Invitae), Labcorp); PubMed 19344236 (cited by Labcorp Genetics (formerly Invitae), Labcorp); PubMed 22058051 (cited by Labcorp Genetics (formerly Invitae), Labcorp).